The following is an entry in ClinVar:

NM_015488.5(PNKD):c.658C>G (p.Gln220Glu)

Genes: CATIP-AS2 (CATIP antisense RNA 2; minus strand), PNKD (PNKD metallo-beta-lactamase domain containing; plus strand). Cytogenetic location: 2q35.
Variant type: single nucleotide variant.
Coding change: c.658C>G on transcript NM_015488.5 (MANE Select); coding-DNA position 658, C replaced by G.
Protein change: p.Gln220Glu; replaces glutamine 220 with glutamic acid.
Molecular consequence: missense variant.
Genome position (GRCh38, 1-based): chr2:218,342,021, C>G. VCF-style: chr2-218342021-C-G. GRCh37 (hg19) VCF-style: chr2-219206744-C-G.
Other names: c.586C>G, p.Gln196Glu (NM_022572.5); short protein forms Q196E, Q220E.
Identifiers: ClinVar variation 2176721 (VCV002176721.4), dbSNP rs2469467715, ClinGen allele CA350540988.

ClinVar aggregate classification (germline): Uncertain significance (1 of 4 stars; one submission).

Conditions:
Paroxysmal nonkinesigenic dyskinesia. Also called: Paroxysmal non-kinesigenic dyskinesia. Identifiers: Orphanet 98810, MedGen C1869117, MONDO:0700088.

Allele frequency attached by ClinVar (database versions not stated): gnomAD exomes 0.00001.
gnomAD v4.1: 7 of 1,613,790 alleles (0.00043%); highest among the groups gnomAD compares: Non-Finnish European, 0.00059%; no homozygotes.

Submission:

Labcorp Genetics (formerly Invitae), Labcorp
Classification: Uncertain significance for Paroxysmal nonkinesigenic dyskinesia. Last evaluated: 2022-03-23. Review status: criteria provided, single submitter. Criteria: Invitae Variant Classification Sherloc (09022015). Collection method: clinical testing. Allele origin: germline.
Comment: In summary, the available evidence is currently insufficient to determine the role of this variant in disease. Therefore, it has been classified as a Variant of Uncertain Significance. Algorithms developed to predict the effect of missense changes on protein structure and function (SIFT, PolyPhen-2, Align-GVGD) all suggest that this variant is likely to be tolerated. This variant has not been reported in the literature in individuals affected with PNKD-related conditions. This variant is not present in population databases (gnomAD no frequency). This sequence change replaces glutamine, which is neutral and polar, with glutamic acid, which is acidic and polar, at codon 220 of the PNKD protein (p.Gln220Glu).